The following is an entry in ClinVar:

ClinVar aggregate classification (germline): Pathogenic (1 of 4 stars; one submission).

Conditions:
Neurofibromatosis, type 1 (NF1). Also called: NEUROFIBROMATOSIS, TYPE I, SOMATIC; Neurofibromatosis, type I; Peripheral type neurofibromatosis; VON RECKLINGHAUSEN DISEASE. Identifiers: Orphanet 636, MedGen C0027831, MONDO:0018975, OMIM 162200. Disease mechanism: loss of function.

Submission:

Labcorp Genetics (formerly Invitae), Labcorp
Classification: Pathogenic for Neurofibromatosis, type 1. Last evaluated: 2022-02-09. Review status: criteria provided, single submitter. Criteria: Invitae Variant Classification Sherloc (09022015). Collection method: clinical testing. Allele origin: germline.
Comment: This variant has not been reported in the literature in individuals affected with NF1-related conditions. For these reasons, this variant has been classified as Pathogenic. This sequence change creates a premature translational stop signal (p.Arg1416Lysfs*30) in the NF1 gene. It is expected to result in an absent or disrupted protein product. Loss-of-function variants in NF1 are known to be pathogenic (PMID: 10712197, 23913538). This variant is not present in population databases (gnomAD no frequency).

Literature cited by the submitters: PubMed 10712197; PubMed 23913538.

NM_001042492.3(NF1):c.4309dup (p.Arg1437fs)

Gene: NF1 (neurofibromin 1; plus strand). Cytogenetic location: 17q11.2.
Variant type: Duplication.
Coding change: c.4309dup on transcript NM_001042492.3 (MANE Select); coding-DNA position 4309, one base duplicated (A; older notation c.4309dupA).
Protein change: p.Arg1437fs; shifts the reading frame from arginine 1437.
Molecular consequence: frameshift variant.
Genome position (GRCh38, 1-based): chr17:31,258,479, A duplicated; the last of 3 consecutive A bases (chr17:31,258,477-31,258,479); duplicating any one gives the same sequence. VCF-style (leftmost placement, unchanged base first): chr17-31258476-G-GA. GRCh37 (hg19) VCF-style: chr17-29585494-G-GA.
Other names: c.4246dup, p.Arg1416Lysfs (NM_000267.4); short protein forms R1437fs, R1416fs.
Identifiers: ClinVar variation 2095724 (VCV002095724.4), dbSNP rs2508409543, ClinGen allele CA2580092941.